The following is an entry in ClinVar:

NM_004360.5(CDH1):c.1963A>G (p.Lys655Glu)

Gene: CDH1 (cadherin 1; plus strand). Cytogenetic location: 16q22.1.
Variant type: single nucleotide variant.
Coding change: c.1963A>G on transcript NM_004360.5 (MANE Select); coding-DNA position 1963, A replaced by G.
Protein change: p.Lys655Glu; replaces lysine 655 with glutamic acid.
Molecular consequence: missense variant. On other transcripts: 5 prime UTR variant (1).
Genome position (GRCh38, 1-based): chr16:68,823,425, A>G. VCF-style: chr16-68823425-A-G. GRCh37 (hg19) VCF-style: chr16-68857328-A-G.
Other names: c.1963A>G (NM_004360.3); c.1780A>G, p.Lys594Glu (NM_001317184.2); c.415A>G, p.Lys139Glu (NM_001317185.2); c.-3A>G (NM_001317186.2); short protein forms K594E, K139E, K655E.
Identifiers: ClinVar variation 1383819 (VCV001383819.7), dbSNP rs2152139278, ClinGen allele CA396467554.
Genomic context (GRCh38, chr16:68,823,425, plus strand): 5'-TGGTCTCATCATTTCTTTTTATTGCTTTCTCCAGCCCAAGAATCTATCATTTTGAAGCCA[A>G]AGATGGCCTTAGAGGTGGGTGACTACAAAATCAATCTCAAGCTCATGGATAACCAGAATA-3'
Protein context (NP_004351.1, residues 645-665): PTQESIILKP[Lys655Glu]MALEVGDYKI

ClinVar aggregate classification (germline): Uncertain significance. Review status: criteria provided, multiple submitters, no conflicts (2 of 4 stars). 2 submissions from 2 submitters: Uncertain significance (2). Last evaluated 2025-02-10.

Conditions:
Hereditary cancer-predisposing syndrome. Also called: Tumor predisposition; Hereditary neoplastic syndrome; Neoplastic Syndromes, Hereditary; Hereditary Cancer Syndrome. Identifiers: Orphanet 140162, MedGen C0027672, MeSH D009386, MONDO:0015356.
Hereditary diffuse gastric adenocarcinoma (HDGC). Also called: DIFFUSE GASTRIC AND LOBULAR BREAST CANCER SYNDROME. Identifiers: Orphanet 26106, MedGen C1708349, MONDO:0007648, OMIM 137215.

Submissions (2):

Labcorp Genetics (formerly Invitae), Labcorp
Classification: Uncertain significance for Hereditary diffuse gastric adenocarcinoma. Last evaluated: 2025-02-10. Review status: criteria provided, single submitter. Criteria: Invitae Variant Classification Sherloc (09022015). Collection method: clinical testing. Allele origin: germline.
Comment: This sequence change replaces lysine, which is basic and polar, with glutamic acid, which is acidic and polar, at codon 655 of the CDH1 protein (p.Lys655Glu). This variant is not present in population databases (gnomAD no frequency). This variant has not been reported in the literature in individuals affected with CDH1-related conditions. ClinVar contains an entry for this variant (Variation ID: 1383819). An algorithm developed to predict the effect of missense changes on protein structure and function (PolyPhen-2) suggests that this variant is likely to be tolerated. In summary, the available evidence is currently insufficient to determine the role of this variant in disease. Therefore, it has been classified as a Variant of Uncertain Significance.

Ambry Genetics
Classification: Uncertain significance for Hereditary cancer-predisposing syndrome. Last evaluated: 2023-02-12. Review status: criteria provided, single submitter. Criteria: Ambry Variant Classification Scheme 2023. Collection method: clinical testing. Allele origin: germline.
Comment: The p.K655E variant (also known as c.1963A>G), located in coding exon 13 of the CDH1 gene, results from an A to G substitution at nucleotide position 1963. The lysine at codon 655 is replaced by glutamic acid, an amino acid with similar properties. This amino acid position is conserved. In addition, this alteration is predicted to be tolerated by in silico analysis. Since supporting evidence is limited at this time, the clinical significance of this alteration remains unclear.